The following is an entry in ClinVar:

ClinVar aggregate classification (germline): Likely benign (1 of 4 stars; one submission).

Allele frequency attached by ClinVar (database versions not stated): gnomAD 0.00005; TOPMed 0.00006; ExAC 0.00008; 1000 Genomes Project 0.00020; 1000 Genomes Project 30x 0.00047.
gnomAD v4.1: 34 of 1,571,536 alleles (0.0022%); highest among the groups gnomAD compares: Admixed American, 0.043%; 3 homozygotes.

Submission:

CeGaT Center for Human Genetics Tuebingen
Classification: Likely benign. Last evaluated: 2022-07-01. Review status: criteria provided, single submitter. Criteria: CeGaT Center For Human Genetics Tuebingen Variant Classification Criteria Version 2. Collection method: clinical testing. Allele origin: germline. Affected: yes. Observed: 1 variant allele.
Comment: KIR2DL1: BP4

NM_014218.3(KIR2DL1):c.367A>G (p.Ile123Val)

Gene: KIR2DL1 (killer cell immunoglobulin like receptor, two Ig domains and long cytoplasmic tail 1). Cytogenetic location: 19q13.42.
Variant type: single nucleotide variant.
Coding change: c.367A>G on transcript NM_014218.3 (MANE Select); coding-DNA position 367, A replaced by G.
Protein change: p.Ile123Val; replaces isoleucine 123 with valine.
Molecular consequence: missense variant.
Genome position (GRCh38, 1-based): chr19:54,773,629, A>G. VCF-style: chr19-54773629-A-G. GRCh37 (hg19) VCF-style: chr19-55285081-A-G.
Other names: short protein forms I123V.
Identifiers: ClinVar variation 2650465 (VCV002650465.24), dbSNP rs564948814, ClinGen allele CA309884897.